The following is an entry in ClinVar:

NM_000051.4(ATM):c.2250+5G>A

Gene: ATM (ATM serine/threonine kinase; plus strand). Cytogenetic location: 11q22.3.
Variant type: single nucleotide variant.
Coding change: c.2250+5G>A on transcript NM_000051.4 (MANE Select); 5 bases into the intron after coding-DNA position 2250, G replaced by A.
Molecular consequence: intron variant.
Genome position (GRCh38, 1-based): chr11:108,256,345, G>A. VCF-style: chr11-108256345-G-A. GRCh37 (hg19) VCF-style: chr11-108127072-G-A.
Other names: c.2250+5G>A (NM_001351834.2).
Identifiers: ClinVar variation 481214 (VCV000481214.8), dbSNP rs1555075047, ClinGen allele CA658656203.

ClinVar aggregate classification (germline): Uncertain significance. Review status: criteria provided, multiple submitters, no conflicts (2 of 4 stars). 2 submissions from 2 submitters: Uncertain significance (2). Last evaluated 2026-02-06.

Conditions:
Ataxia-telangiectasia syndrome (AT). Also called: Ataxia telangiectasia (A-T); LOUIS-BAR SYNDROME; ATAXIA-TELANGIECTASIA, FRESNO VARIANT; Ataxia-telangiectasia; Ataxia-telangiectasia, complementation group E; Ataxia-telangiectasia, complementation group D. Identifiers: Orphanet 100, MedGen C0004135, MONDO:0008840, OMIM 208900.
Hereditary cancer-predisposing syndrome. Also called: Tumor predisposition; Hereditary Cancer Syndrome; Neoplastic Syndromes, Hereditary; Hereditary neoplastic syndrome. Identifiers: Orphanet 140162, MedGen C0027672, MeSH D009386, MONDO:0015356.

Submissions (2):

Ambry Genetics
Classification: Uncertain significance for Hereditary cancer-predisposing syndrome. Last evaluated: 2026-02-06. Review status: criteria provided, single submitter. Criteria: Ambry Variant Classification Scheme 2023. Collection method: clinical testing. Allele origin: germline.
Comment: The c.2250+5G>A intronic variant results from a G to A substitution 5 nucleotides after coding exon 13 in the ATM gene. This nucleotide position is highly conserved in available vertebrate species. In silico splice site analysis predicts that this alteration may weaken the native splice donor site. Based on the available evidence, the clinical significance of this variant remains unclear.

Labcorp Genetics (formerly Invitae), Labcorp
Classification: Uncertain significance for Ataxia-telangiectasia syndrome. Last evaluated: 2024-04-01. Review status: criteria provided, single submitter. Criteria: Invitae Variant Classification Sherloc (09022015). Collection method: clinical testing. Allele origin: germline.
Comment: This sequence change falls in intron 14 of the ATM gene. It does not directly change the encoded amino acid sequence of the ATM protein. It affects a nucleotide within the consensus splice site. This variant is not present in population databases (gnomAD no frequency). This variant has not been reported in the literature in individuals affected with ATM-related conditions. ClinVar contains an entry for this variant (Variation ID: 481214). Variants that disrupt the consensus splice site are a relatively common cause of aberrant splicing (PMID: 17576681, 9536098). Algorithms developed to predict the effect of sequence changes on RNA splicing suggest that this variant may disrupt the consensus splice site. In summary, the available evidence is currently insufficient to determine the role of this variant in disease. Therefore, it has been classified as a Variant of Uncertain Significance.

Literature cited by the submitters: PubMed 17576681 (cited by Labcorp Genetics (formerly Invitae), Labcorp); PubMed 9536098 (cited by Labcorp Genetics (formerly Invitae), Labcorp).